The following is an entry in ClinVar:

ClinVar aggregate classification (germline): Pathogenic (0 of 4 stars; one submission).

Conditions:
Fanconi anemia complementation group G. Also called: FANCG-Related Fanconi Anemia; Fanconi anemia group G. Identifiers: Orphanet 84, MedGen C3469527, MONDO:0013565, OMIM 614082.

Submission:

Leiden Open Variation Database
Classification: Pathogenic for Fanconi anemia complementation group G. Last evaluated: 2011-02-07. Review status: no assertion criteria provided. Collection method: curation. Allele origin: germline. Affected: yes.
Comment: Curator: Arleen D. Auerbach. Submitter to LOVD: Arleen D. Auerbach.

Literature cited by the submitters: PubMed 12552564.

NM_004629.2(FANCG):c.1143+5G>A

Gene: FANCG (FA complementation group G; minus strand). Cytogenetic location: 9p13.3.
Variant type: single nucleotide variant.
Coding change: c.1143+5G>A on transcript NM_004629.2 (MANE Select); 5 bases into the intron after coding-DNA position 1143, G replaced by A.
Molecular consequence: intron variant.
Genome position (GRCh38, 1-based): chr9:35,075,957, C>T on the plus strand (G>A on the coding strand, the complement: FANCG is on the minus strand). VCF-style: chr9-35075957-C-T. GRCh37 (hg19) VCF-style: chr9-35075954-C-T.
Identifiers: ClinVar variation 929692 (VCV000929692.1), dbSNP rs778328620, ClinGen allele CA1139660967.